The following is an entry in ClinVar:

NM_022124.6(CDH23):c.2330C>T (p.Thr777Met)

Gene: CDH23 (cadherin related 23; plus strand). Cytogenetic location: 10q22.1.
Variant type: single nucleotide variant.
Coding change: c.2330C>T on transcript NM_022124.6 (MANE Select); coding-DNA position 2330, C replaced by T.
Protein change: p.Thr777Met; replaces threonine 777 with methionine.
Molecular consequence: missense variant.
Genome position (GRCh38, 1-based): chr10:71,695,458, C>T. VCF-style: chr10-71695458-C-T. GRCh37 (hg19) VCF-style: chr10-73455215-C-T.
Other names: c.2330C>T, p.Thr777Met (NM_001171930.2, NM_001171931.2); c.2330C>T (NM_022124.5); short protein forms T777M.
Identifiers: ClinVar variation 991918 (VCV000991918.5), dbSNP rs199709482, ClinGen allele CA5544183.

ClinVar aggregate classification (germline): Uncertain significance. Review status: criteria provided, multiple submitters, no conflicts (2 of 4 stars). 4 submissions from 4 submitters: Uncertain significance (3). 1 of the submissions does not count toward it. Last evaluated 2025-06-25.

Conditions:
Inborn genetic diseases. Identifiers: MedGen C0950123, MeSH D030342.
Usher syndrome type 1 (USH1). Also called: RETINITIS PIGMENTOSA AND CONGENITAL DEAFNESS. Identifiers: Orphanet 231169, Orphanet 886, MedGen C1568247, MONDO:0010168, OMIM 276900.

Allele frequency attached by ClinVar (database versions not stated): TOPMed 0.00004; ESP Exome Variant Server 0.00024.
gnomAD v4.1: 7 of 1,613,478 alleles (0.00043%); highest among the groups gnomAD compares: African/African-American, 0.004%; no homozygotes.

Submissions (4):

Ambry Genetics
Classification: Uncertain significance for Inborn genetic diseases. Last evaluated: 2025-06-25. Review status: criteria provided, single submitter. Criteria: Ambry Variant Classification Scheme 2023. Collection method: clinical testing. Allele origin: germline.

Labcorp Genetics (formerly Invitae), Labcorp
Classification: Uncertain significance. Last evaluated: 2022-03-13. Review status: criteria provided, single submitter. Criteria: Invitae Variant Classification Sherloc (09022015). Collection method: clinical testing. Allele origin: germline.
Comment: This sequence change replaces threonine, which is neutral and polar, with methionine, which is neutral and non-polar, at codon 777 of the CDH23 protein (p.Thr777Met). This variant is present in population databases (rs199709482, gnomAD 0.02%). This variant has not been reported in the literature in individuals affected with CDH23-related conditions. ClinVar contains an entry for this variant (Variation ID: 991918). Algorithms developed to predict the effect of missense changes on protein structure and function are either unavailable or do not agree on the potential impact of this missense change (SIFT: "Deleterious"; PolyPhen-2: "Not Available"; Align-GVGD: "Class C65"). In summary, the available evidence is currently insufficient to determine the role of this variant in disease. Therefore, it has been classified as a Variant of Uncertain Significance.

Blueprint Genetics
Classification: Uncertain significance. Last evaluated: 2019-11-20. Review status: criteria provided, single submitter. Criteria: ACMG Guidelines, 2015. Collection method: clinical testing. Allele origin: germline.

Natera, Inc.
Classification: Uncertain significance for Usher syndrome type 1. Last evaluated: 2020-04-15. Review status: no assertion criteria provided. Collection method: clinical testing. Allele origin: germline. Not counted in ClinVar's aggregate classification.